The following is an entry in ClinVar:

NM_001385641.1(SAMD11):c.548G>A (p.Gly183Glu)

Gene: SAMD11 (sterile alpha motif domain containing 11; plus strand). Cytogenetic location: 1p36.33.
Variant type: single nucleotide variant.
Coding change: c.548G>A on transcript NM_001385641.1 (MANE Select); coding-DNA position 548, G replaced by A.
Protein change: p.Gly183Glu; replaces glycine 183 with glutamic acid.
Molecular consequence: missense variant.
Genome position (GRCh38, 1-based): chr1:925,952, G>A. VCF-style: chr1-925952-G-A. GRCh37 (hg19) VCF-style: chr1-861332-G-A.
Other names: c.548G>A, p.Gly183Glu (NM_001385640.1); c.11G>A, p.Gly4Glu (NM_152486.4); short protein forms G183E, G4E.
Identifiers: ClinVar variation 1019397 (VCV001019397.8), dbSNP rs1640863258, ClinGen allele CA337788218.

ClinVar aggregate classification (germline): Uncertain significance (1 of 4 stars; one submission).

Allele frequency attached by ClinVar (database versions not stated): gnomAD exomes 0.00001.
gnomAD v4.1: 8 of 1,612,014 alleles (0.0005%); highest among the groups gnomAD compares: Non-Finnish European, 0.00059%; no homozygotes.

Submission:

Labcorp Genetics (formerly Invitae), Labcorp
Classification: Uncertain significance. Last evaluated: 2025-11-17. Review status: criteria provided, single submitter. Criteria: Invitae Variant Classification Sherloc (09022015). Collection method: clinical testing. Allele origin: germline.
Comment: This sequence change replaces glycine, which is neutral and non-polar, with glutamic acid, which is acidic and polar, at codon 4 of the SAMD11 protein (p.Gly4Glu). This variant is not present in population databases (gnomAD no frequency). This variant has not been reported in the literature in individuals affected with SAMD11-related conditions. ClinVar contains an entry for this variant (Variation ID: 1019397). An algorithm developed to predict the effect of missense changes on protein structure and function (PolyPhen-2) suggests that this variant is likely to be disruptive. In summary, the available evidence is currently insufficient to determine the role of this variant in disease. Therefore, it has been classified as a Variant of Uncertain Significance.